The following is an entry in ClinVar:

NM_031885.5(BBS2):c.706T>C (p.Trp236Arg)

Gene: BBS2 (Bardet-Biedl syndrome 2; minus strand). Cytogenetic location: 16q13.
Variant type: single nucleotide variant.
Coding change: c.706T>C on transcript NM_031885.5 (MANE Select); coding-DNA position 706, T replaced by C.
Protein change: p.Trp236Arg; replaces tryptophan 236 with arginine.
Molecular consequence: missense variant. On other transcripts: non-coding transcript variant (5).
Genome position (GRCh38, 1-based): chr16:56,506,131, A>G on the plus strand (T>C on the coding strand, the complement: BBS2 is on the minus strand). VCF-style: chr16-56506131-A-G. GRCh37 (hg19) VCF-style: chr16-56540043-A-G.
Other names: c.706T>C, p.Trp236Arg (NM_001377456.1); short protein forms W236R.
Identifiers: ClinVar variation 1375969 (VCV001375969.4), dbSNP rs2144162792, ClinGen allele CA395982898.

ClinVar aggregate classification (germline): Uncertain significance. Review status: criteria provided, multiple submitters, no conflicts (2 of 4 stars). 2 submissions from 2 submitters: Uncertain significance (2). Last evaluated 2021-08-18.

Conditions:
Bardet-Biedl syndrome (BBS). Identifiers: Orphanet 110, MedGen C0752166, MONDO:0015229.

Allele frequency attached by ClinVar (database versions not stated): gnomAD exomes 0.00001.
gnomAD v4.1: 10 of 1,613,692 alleles (0.00062%); highest among the groups gnomAD compares: Non-Finnish European, 0.00085%; no homozygotes.

Submissions (2):

Labcorp Genetics (formerly Invitae), Labcorp
Classification: Uncertain significance for Bardet-Biedl syndrome. Last evaluated: 2021-08-18. Review status: criteria provided, single submitter. Criteria: Invitae Variant Classification Sherloc (09022015). Collection method: clinical testing. Allele origin: germline.
Comment: This sequence change replaces tryptophan with arginine at codon 236 of the BBS2 protein (p.Trp236Arg). The tryptophan residue is highly conserved and there is a moderate physicochemical difference between tryptophan and arginine. This variant is not present in population databases (ExAC no frequency). This missense change has been observed in individual(s) with retinitis pigmentosa (Invitae). Algorithms developed to predict the effect of missense changes on protein structure and function (SIFT, PolyPhen-2, Align-GVGD) all suggest that this variant is likely to be disruptive. In summary, the available evidence is currently insufficient to determine the role of this variant in disease. Therefore, it has been classified as a Variant of Uncertain Significance.

Blueprint Genetics
Classification: Uncertain significance. Last evaluated: 2020-09-21. Review status: criteria provided, single submitter. Criteria: ACMG Guidelines, 2015. Collection method: clinical testing. Allele origin: germline.